The following is an entry in ClinVar:

NM_032447.5(FBN3):c.6686T>C (p.Ile2229Thr)

Gene: FBN3 (fibrillin 3; minus strand). Cytogenetic location: 19p13.2.
Variant type: single nucleotide variant.
Coding change: c.6686T>C on transcript NM_032447.5 (MANE Select); coding-DNA position 6686, T replaced by C.
Protein change: p.Ile2229Thr; replaces isoleucine 2229 with threonine.
Molecular consequence: missense variant.
Genome position (GRCh38, 1-based): chr19:8,087,145, A>G on the plus strand (T>C on the coding strand, the complement: FBN3 is on the minus strand). VCF-style: chr19-8087145-A-G. GRCh37 (hg19) VCF-style: chr19-8152029-A-G.
Other names: c.6686T>C, p.Ile2229Thr (NM_001321431.2); c.6686T>C (NM_032447.3); short protein forms I2229T.
Identifiers: ClinVar variation 2190786 (VCV002190786.5), dbSNP rs200895294, ClinGen allele CA9151177.
Genomic context (GRCh38, chr19:8,087,145, plus strand): 5'-CCCTCCCCAGAGCCAGGCAGGGGCCGCATGCCTGGGGGACAGACGCACGCGAAGGTACCG[A>G]TGAGGTTCTTGCACTCCATGCCCCGGGCGTGGCAGTCCTGCTGACCATCTGCACACTCGT-3'
Protein context (NP_115823.3, residues 2219-2239): HARGMECKNL[Ile2229Thr]GTFACVCPPG

ClinVar aggregate classification (germline): Uncertain significance. Review status: criteria provided, multiple submitters, no conflicts (2 of 4 stars). 2 submissions from 2 submitters: Uncertain significance (2). Last evaluated 2026-01-15.

Allele frequency attached by ClinVar (database versions not stated): gnomAD 0.00008; TOPMed 0.00009; gnomAD exomes 0.00012; ExAC 0.00014.
gnomAD v4.1: 190 of 1,610,474 alleles (0.012%); highest among the groups gnomAD compares: Non-Finnish European, 0.015%; no homozygotes.

Submissions (2):

Labcorp Genetics (formerly Invitae), Labcorp
Classification: Uncertain significance. Last evaluated: 2026-01-15. Review status: criteria provided, single submitter. Criteria: Invitae Variant Classification Sherloc (09022015). Collection method: clinical testing. Allele origin: germline.
Comment: This sequence change replaces isoleucine, which is neutral and non-polar, with threonine, which is neutral and polar, at codon 2229 of the FBN3 protein (p.Ile2229Thr). This variant is present in population databases (rs200895294, gnomAD 0.02%). This variant has not been reported in the literature in individuals affected with FBN3-related conditions. ClinVar contains an entry for this variant (Variation ID: 2190786). Invitae Evidence Modeling of protein sequence and biophysical properties (such as structural, functional, and spatial information, amino acid conservation, physicochemical variation, residue mobility, and thermodynamic stability) indicates that this missense variant is expected to disrupt FBN3 protein function with a positive predictive value of 80%. In summary, the available evidence is currently insufficient to determine the role of this variant in disease. Therefore, it has been classified as a Variant of Uncertain Significance.

Ambry Genetics
Classification: Uncertain significance. Last evaluated: 2025-01-18. Review status: criteria provided, single submitter. Criteria: Ambry Variant Classification Scheme 2023. Collection method: clinical testing. Allele origin: germline.